The following is an entry in ClinVar:

ClinVar aggregate classification (germline): Pathogenic (1 of 4 stars; one submission).

Conditions:
Multiple congenital exostosis (EXT). Also called: Hereditary multiple exostoses; Hereditary multiple exostosis; Multiple exostoses; MULTIPLE CARTILAGINOUS EXOSTOSES; Multiple osteochondromas; Hereditary multiple osteochondromas. Identifiers: Orphanet 321, MedGen C0015306, MONDO:0005508, HP:0002762.

Submission:

Labcorp Genetics (formerly Invitae), Labcorp
Classification: Pathogenic for Multiple congenital exostosis. Last evaluated: 2022-12-14. Review status: criteria provided, single submitter. Criteria: Invitae Variant Classification Sherloc (09022015). Collection method: clinical testing. Allele origin: germline.
Comment: For these reasons, this variant has been classified as Pathogenic. This premature translational stop signal has been observed in individual(s) with hereditary multiple exostoses (PMID: 33632255). This variant is not present in population databases (gnomAD no frequency). This sequence change creates a premature translational stop signal (p.Glu247*) in the EXT1 gene. It is expected to result in an absent or disrupted protein product. Loss-of-function variants in EXT1 are known to be pathogenic (PMID: 10679937, 11391482, 19810120).

Literature cited by the submitters: PubMed 33632255; PubMed 10679937; PubMed 11391482; PubMed 19810120.

NM_000127.3(EXT1):c.739G>T (p.Glu247Ter)

Gene: EXT1 (exostosin glycosyltransferase 1; minus strand). Cytogenetic location: 8q24.11.
Variant type: single nucleotide variant.
Coding change: c.739G>T on transcript NM_000127.3 (MANE Select); coding-DNA position 739, G replaced by T.
Protein change: p.Glu247Ter; replaces glutamic acid 247 with a stop codon.
Molecular consequence: nonsense.
Genome position (GRCh38, 1-based): chr8:118,110,308, C>A on the plus strand (G>T on the coding strand, the complement: EXT1 is on the minus strand). VCF-style: chr8-118110308-C-A. GRCh37 (hg19) VCF-style: chr8-119122547-C-A.
Other names: short protein forms E247*.
Identifiers: ClinVar variation 2780136 (VCV002780136.3), dbSNP rs2488050974, ClinGen allele CA371915162.